The following is an entry in ClinVar:

NM_020458.4(TTC7A):c.473C>A (p.Pro158His)

Gene: TTC7A (tetratricopeptide repeat domain 7A; plus strand). Cytogenetic location: 2p21.
Variant type: single nucleotide variant.
Coding change: c.473C>A on transcript NM_020458.4 (MANE Select); coding-DNA position 473, C replaced by A.
Protein change: p.Pro158His; replaces proline 158 with histidine.
Molecular consequence: missense variant. On other transcripts: 5 prime UTR variant (1).
Genome position (GRCh38, 1-based): chr2:46,956,963, C>A. VCF-style: chr2-46956963-C-A. GRCh37 (hg19) VCF-style: chr2-47184102-C-A.
Other names: c.473C>A, p.Pro158His (NM_001288951.2); c.371C>A, p.Pro124His (NM_001288953.2); c.-432C>A (NM_001288955.2); short protein forms P158H, P124H.
Identifiers: ClinVar variation 1402859 (VCV001402859.8), dbSNP rs1242924176, ClinGen allele CA346718821.

ClinVar aggregate classification (germline): Uncertain significance (1 of 4 stars; one submission).

Conditions:
Multiple gastrointestinal atresias. Also called: FAMILIAL INTESTINAL POLYATRESIA SYNDROME; Multiple intestinal atresia. Identifiers: Orphanet 2300, MedGen C0220744, MONDO:0009465.

Allele frequency attached by ClinVar (database versions not stated): gnomAD exomes 0.00001; TOPMed 0.00001.
gnomAD v4.1: 2 of 1,614,126 alleles (0.00012%); highest among the groups gnomAD compares: East Asian, 0.0045%; no homozygotes.

Submission:

Labcorp Genetics (formerly Invitae), Labcorp
Classification: Uncertain significance for Multiple gastrointestinal atresias. Last evaluated: 2021-01-15. Review status: criteria provided, single submitter. Criteria: Invitae Variant Classification Sherloc (09022015). Collection method: clinical testing. Allele origin: germline.
Comment: This sequence change replaces proline with histidine at codon 158 of the TTC7A protein (p.Pro158His). The proline residue is moderately conserved and there is a moderate physicochemical difference between proline and histidine. This variant is not present in population databases (ExAC no frequency). This variant has not been reported in the literature in individuals with TTC7A-related conditions. Algorithms developed to predict the effect of missense changes on protein structure and function are either unavailable or do not agree on the potential impact of this missense change (SIFT: "Deleterious"; PolyPhen-2: "Probably Damaging"; Align-GVGD: "Class C0"). In summary, the available evidence is currently insufficient to determine the role of this variant in disease. Therefore, it has been classified as a Variant of Uncertain Significance.